The following is an entry in ClinVar:

NM_000844.4(GRM7):c.1967C>T (p.Ser656Phe)

Gene: GRM7 (glutamate metabotropic receptor 7; plus strand). Cytogenetic location: 3p26.1.
Variant type: single nucleotide variant.
Coding change: c.1967C>T on transcript NM_000844.4 (MANE Select); coding-DNA position 1967, C replaced by T.
Protein change: p.Ser656Phe; replaces serine 656 with phenylalanine.
Molecular consequence: missense variant.
Genome position (GRCh38, 1-based): chr3:7,578,873, C>T. VCF-style: chr3-7578873-C-T. GRCh37 (hg19) VCF-style: chr3-7620560-C-T.
Other names: c.1967C>T, p.Ser656Phe (NM_181874.3); short protein forms S656F.
Identifiers: ClinVar variation 1700942 (VCV001700942.2), dbSNP rs1261720113, ClinGen allele CA351799951.
Genomic context (GRCh38, chr3:7,578,873, plus strand): 5'-TCTTTCTTTGCTACATCATCACTTTCCTGATGATTGCCAAACCAGATGTGGCAGTGTGTT[C>T]TTTCCGGCGAGTTTTCTTGGGCTTGGGTATGTGCATCAGTTATGCAGCCCTCTTGACGAA-3'
Protein context (NP_000835.1, residues 646-666): MIAKPDVAVC[Ser656Phe]FRRVFLGLGM

ClinVar aggregate classification (germline): Uncertain significance (1 of 4 stars; one submission).

Submission:

GeneDx
Classification: Uncertain significance. Last evaluated: 2022-02-14. Review status: criteria provided, single submitter. Criteria: GeneDx Variant Classification Process June 2021. Collection method: clinical testing. Allele origin: germline. Affected: yes.
Comment: Not observed at significant frequency in large population cohorts (gnomAD); In silico analysis supports that this missense variant has a deleterious effect on protein structure/function; Has not been previously published as pathogenic or benign to our knowledge